The following is an entry in ClinVar:

ClinVar aggregate classification (germline): Uncertain significance (1 of 4 stars; one submission).

Conditions:
Hereditary cancer-predisposing syndrome. Also called: Neoplastic Syndromes, Hereditary; Tumor predisposition; Hereditary Cancer Syndrome; Hereditary neoplastic syndrome. Identifiers: Orphanet 140162, MedGen C0027672, MeSH D009386, MONDO:0015356.

Submission:

Ambry Genetics
Classification: Uncertain significance for Hereditary cancer-predisposing syndrome. Last evaluated: 2024-12-10. Review status: criteria provided, single submitter. Criteria: Ambry Variant Classification Scheme 2023. Collection method: clinical testing. Allele origin: germline.
Comment: The p.N485I variant (also known as c.1454A>T), located in coding exon 14 of the NF2 gene, results from an A to T substitution at nucleotide position 1454. The asparagine at codon 485 is replaced by isoleucine, an amino acid with dissimilar properties. This amino acid position is conserved. In addition, this alteration is predicted to be tolerated by in silico analysis. Based on the available evidence, the clinical significance of this variant remains unclear.

NM_000268.4(NF2):c.1454A>T (p.Asn485Ile)

Gene: NF2 (NF2, moesin-ezrin-radixin like (MERLIN) tumor suppressor; plus strand). Cytogenetic location: 22q12.2.
Variant type: single nucleotide variant.
Coding change: c.1454A>T on transcript NM_000268.4 (MANE Select); coding-DNA position 1454, A replaced by T.
Protein change: p.Asn485Ile; replaces asparagine 485 with isoleucine.
Molecular consequence: missense variant. On other transcripts: non-coding transcript variant (1), intron variant (1).
Genome position (GRCh38, 1-based): chr22:29,678,203, A>T. VCF-style: chr22-29678203-A-T. GRCh37 (hg19) VCF-style: chr22-30074192-A-T.
Other names: c.1340A>T, p.Asn447Ile (NM_001407053.1, NM_001407056.1); c.1331A>T, p.Asn444Ile (NM_001407054.1, NM_001407058.1, NM_181829.3); c.1328A>T, p.Asn443Ile (NM_001407055.1, NM_181828.3); c.1319A>T, p.Asn440Ile (NM_001407057.1, NM_001407059.1); c.1454A>T, p.Asn485Ile (NM_001407060.1, NM_001407066.1, NM_016418.5 and 2 more transcripts); c.1196A>T, p.Asn399Ile (NM_001407062.1); c.1205A>T, p.Asn402Ile (NM_001407063.1, NM_001407064.1, NM_181830.3 and 1 more transcripts); c.920A>T, p.Asn307Ile (NM_001407065.1); and 2 more; short protein forms N408I, N307I, N399I, N444I, N447I, N485I, N402I, N440I.
Identifiers: ClinVar variation 3405032 (VCV003405032.1).